The following is an entry in ClinVar:

NM_004700.4(KCNQ4):c.890G>C (p.Arg297Thr)

Gene: KCNQ4 (potassium voltage-gated channel subfamily Q member 4; plus strand). Cytogenetic location: 1p34.2.
Variant type: single nucleotide variant.
Coding change: c.890G>C on transcript NM_004700.4 (MANE Select); coding-DNA position 890, G replaced by C.
Protein change: p.Arg297Thr; replaces arginine 297 with threonine.
Molecular consequence: missense variant.
Genome position (GRCh38, 1-based): chr1:40,819,930, G>C. VCF-style: chr1-40819930-G-C. GRCh37 (hg19) VCF-style: chr1-41285602-G-C.
Other names: c.890G>C, p.Arg297Thr (NM_172163.3); short protein forms R297T.
Identifiers: ClinVar variation 1496792 (VCV001496792.8), dbSNP rs2148320059, ClinGen allele CA339895975.

ClinVar aggregate classification (germline): Uncertain significance (1 of 4 stars; one submission).

Submission:

Labcorp Genetics (formerly Invitae), Labcorp
Classification: Uncertain significance. Last evaluated: 2024-11-05. Review status: criteria provided, single submitter. Criteria: Invitae Variant Classification Sherloc (09022015). Collection method: clinical testing. Allele origin: germline.
Comment: This sequence change replaces arginine, which is basic and polar, with threonine, which is neutral and polar, at codon 297 of the KCNQ4 protein (p.Arg297Thr). This variant is not present in population databases (gnomAD no frequency). This variant has not been reported in the literature in individuals affected with KCNQ4-related conditions. ClinVar contains an entry for this variant (Variation ID: 1496792). Invitae Evidence Modeling of protein sequence and biophysical properties (such as structural, functional, and spatial information, amino acid conservation, physicochemical variation, residue mobility, and thermodynamic stability) indicates that this missense variant is expected to disrupt KCNQ4 protein function with a positive predictive value of 95%. In summary, the available evidence is currently insufficient to determine the role of this variant in disease. Therefore, it has been classified as a Variant of Uncertain Significance.